The following is an entry in ClinVar:

NM_002838.5(PTPRC):c.3542C>T (p.Ala1181Val)

Gene: PTPRC (protein tyrosine phosphatase receptor type C; plus strand). Cytogenetic location: 1q32.1.
Variant type: single nucleotide variant.
Coding change: c.3542C>T on transcript NM_002838.5 (MANE Select); coding-DNA position 3542, C replaced by T.
Protein change: p.Ala1181Val; replaces alanine 1181 with valine.
Molecular consequence: missense variant.
Genome position (GRCh38, 1-based): chr1:198,754,301, C>T. VCF-style: chr1-198754301-C-T. GRCh37 (hg19) VCF-style: chr1-198723430-C-T.
Other names: c.3059C>T, p.Ala1020Val (NM_080921.4); short protein forms A1020V, A1181V.
Identifiers: ClinVar variation 2046999 (VCV002046999.4), dbSNP rs2528058577, ClinGen allele CA344055330.

ClinVar aggregate classification (germline): Uncertain significance (1 of 4 stars; one submission).

Conditions:
Immunodeficiency 104. Also called: IMMUNODEFICIENCY 104, SEVERE COMBINED; SCID, AUTOSOMAL RECESSIVE, T CELL-NEGATIVE, B CELL-POSITIVE, NK CELL-POSITIVE; Severe combined immunodeficiency, autosomal recessive, T cell-negative, B cell-positive, NK cell-positive; Severe Combined Immune Deficiency, Autosomal Recessive, TCell -Negative, B Cell-Positive, NK Cell-Positive, IL7R-Related. Identifiers: MedGen C5676890, MONDO:0012163, OMIM 608971.

Submission:

Labcorp Genetics (formerly Invitae), Labcorp
Classification: Uncertain significance for Immunodeficiency 104. Last evaluated: 2022-06-10. Review status: criteria provided, single submitter. Criteria: Invitae Variant Classification Sherloc (09022015). Collection method: clinical testing. Allele origin: germline.
Comment: This sequence change replaces alanine, which is neutral and non-polar, with valine, which is neutral and non-polar, at codon 1181 of the PTPRC protein (p.Ala1181Val). In summary, the available evidence is currently insufficient to determine the role of this variant in disease. Therefore, it has been classified as a Variant of Uncertain Significance. Algorithms developed to predict the effect of sequence changes on RNA splicing suggest that this variant may create or strengthen a splice site. Algorithms developed to predict the effect of missense changes on protein structure and function are either unavailable or do not agree on the potential impact of this missense change (SIFT: "Deleterious"; PolyPhen-2: "Probably Damaging"; Align-GVGD: "Class C0"). This variant has not been reported in the literature in individuals affected with PTPRC-related conditions. This variant is not present in population databases (gnomAD no frequency).